The following is an entry in ClinVar:

NM_001018113.3(FANCB):c.1677G>C (p.Lys559Asn)

Gene: FANCB (FA complementation group B; minus strand). Cytogenetic location: Xp22.2.
Variant type: single nucleotide variant.
Coding change: c.1677G>C on transcript NM_001018113.3 (MANE Select); coding-DNA position 1677, G replaced by C.
Protein change: p.Lys559Asn; replaces lysine 559 with asparagine.
Molecular consequence: missense variant.
Genome position (GRCh38, 1-based): chrX:14,845,106, C>G on the plus strand (G>C on the coding strand, the complement: FANCB is on the minus strand). VCF-style: chrX-14845106-C-G. GRCh37 (hg19) VCF-style: chrX-14863228-C-G.
Other names: c.1677G>C, p.Lys559Asn (NM_001324162.2, NM_001410764.1, NM_152633.4); short protein forms K559N.
Identifiers: ClinVar variation 4811446 (VCV004811446.1).

ClinVar aggregate classification (germline): Uncertain significance (1 of 4 stars; one submission).

Conditions:
Fanconi anemia (FA). Also called: Fanconi's anemia. Identifiers: Orphanet 84, MedGen C0015625, MeSH D005199, MONDO:0019391.

Submission:

Labcorp Genetics (formerly Invitae), Labcorp
Classification: Uncertain significance for Fanconi anemia. Last evaluated: 2025-05-08. Review status: criteria provided, single submitter. Criteria: Invitae Variant Classification Sherloc (09022015). Collection method: clinical testing. Allele origin: germline.
Comment: This sequence change replaces lysine, which is basic and polar, with asparagine, which is neutral and polar, at codon 559 of the FANCB protein (p.Lys559Asn). This variant is not present in population databases (gnomAD no frequency). This variant has not been reported in the literature in individuals affected with FANCB-related conditions. Invitae Evidence Modeling of protein sequence and biophysical properties (such as structural, functional, and spatial information, amino acid conservation, physicochemical variation, residue mobility, and thermodynamic stability) indicates that this missense variant is not expected to disrupt FANCB protein function with a negative predictive value of 80%. In summary, the available evidence is currently insufficient to determine the role of this variant in disease. Therefore, it has been classified as a Variant of Uncertain Significance.